The following is an entry in ClinVar:

ClinVar aggregate classification (germline): Uncertain significance. Review status: criteria provided, multiple submitters, no conflicts (2 of 4 stars). 2 submissions from 2 submitters: Uncertain significance (2). Last evaluated 2024-07-20.

Conditions:
Cardiomyopathy (CMYO). Also called: Cardiomyopathies. Identifiers: Orphanet 167848, MedGen C0878544, MONDO:0004994, HP:0001638. Inheritance: Various modes of inheritance.
Arrhythmogenic cardiomyopathy with wooly hair and keratoderma. Also called: Carvajal syndrome; PALMOPLANTAR KERATODERMA WITH LEFT VENTRICULAR CARDIOMYOPATHY AND WOOLLY HAIR; Dilated cardiomyopathy with woolly hair and keratoderma; Arrhythmogenic cardiomyopathy with woolly hair and keratoderma. Identifiers: Orphanet 65282, MedGen C1854063, MONDO:0011581, OMIM 605676.

gnomAD v4.1: 10 of 1,613,724 alleles (0.00062%); highest among the groups gnomAD compares: Non-Finnish European, 0.00085%; no homozygotes.

Submissions (2):

All of Us Research Program, National Institutes of Health
Classification: Uncertain significance for Arrhythmogenic cardiomyopathy with wooly hair and keratoderma. Last evaluated: 2024-07-20. Review status: criteria provided, single submitter. Criteria: ACMG Guidelines, 2015. Collection method: clinical testing. Allele origin: germline. Inheritance: Autosomal dominant inheritance. Observed: 1 variant allele, 1 heterozygote.
Comment: This missense variant replaces leucine with proline at codon 1843 of the DSP protein. Computational prediction suggests that this variant may not impact protein structure and function (internally defined REVEL score threshold <= 0.5, PMID: 27666373). To our knowledge, functional studies have not been reported for this variant. This variant has not been reported in individuals affected with DSP-related disorders in the literature. This variant has not been identified in the general population by the Genome Aggregation Database (gnomAD). The available evidence is insufficient to determine the role of this variant in disease conclusively. Therefore, this variant is classified as a Variant of Uncertain Significance.

This study involves interpretation of variants in research participants for the purpose of population health screening. Participant phenotype was not available at the time of variant classification. Additional details can be found in publication PMID: 35346344, PMCID: PMC8962531

Color Diagnostics, LLC DBA Color Health
Classification: Uncertain significance for Cardiomyopathy. Last evaluated: 2024-07-02. Review status: criteria provided, single submitter. Criteria: ACMG Guidelines, 2015. Collection method: clinical testing. Allele origin: germline.
Comment: This missense variant replaces leucine with proline at codon 1843 of the DSP protein. Computational prediction suggests that this variant may not impact protein structure and function. To our knowledge, functional studies have not been reported for this variant. This variant has not been reported in individuals affected with DSP-related disorders in the literature. This variant has not been identified in the general population by the Genome Aggregation Database (gnomAD). The available evidence is insufficient to determine the role of this variant in disease conclusively. Therefore, this variant is classified as a Variant of Uncertain Significance.

NM_004415.4(DSP):c.5528T>C (p.Leu1843Pro)

Gene: DSP (desmoplakin; plus strand). Cytogenetic location: 6p24.3.
Variant type: single nucleotide variant.
Coding change: c.5528T>C on transcript NM_004415.4 (MANE Select); coding-DNA position 5528, T replaced by C.
Protein change: p.Leu1843Pro; replaces leucine 1843 with proline.
Molecular consequence: missense variant.
Genome position (GRCh38, 1-based): chr6:7,582,790, T>C. VCF-style: chr6-7582790-T-C. GRCh37 (hg19) VCF-style: chr6-7583023-T-C.
Other names: c.3731T>C, p.Leu1244Pro (NM_001008844.3); c.4199T>C, p.Leu1400Pro (NM_001319034.2); short protein forms L1244P, L1400P, L1843P.
Identifiers: ClinVar variation 3386690 (VCV003386690.2).